The following is an entry in ClinVar:

NM_005751.5(AKAP9):c.10858A>G (p.Ile3620Val)

Gene: AKAP9 (A-kinase anchoring protein 9; plus strand). Cytogenetic location: 7q21.2.
Variant type: single nucleotide variant.
Coding change: c.10858A>G on transcript NM_005751.5 (MANE Select); coding-DNA position 10858, A replaced by G.
Protein change: p.Ile3620Val; replaces isoleucine 3620 with valine.
Molecular consequence: missense variant.
Genome position (GRCh38, 1-based): chr7:92,099,831, A>G. VCF-style: chr7-92099831-A-G. GRCh37 (hg19) VCF-style: chr7-91729145-A-G.
Other names: c.5503A>G, p.Ile1835Val (NM_001379277.1); c.10834A>G, p.Ile3612Val (NM_147185.3); short protein forms I3620V, I3612V, I1835V.
Identifiers: ClinVar variation 191557 (VCV000191557.24), dbSNP rs142729919, ClinGen allele CA199867.

ClinVar aggregate classification (germline): Benign/Likely benign. Review status: criteria provided, multiple submitters, no conflicts (2 of 4 stars). 8 submissions from 8 submitters: Benign (5); Likely benign (3). Last evaluated 2026-02-02.

Conditions:
Cardiovascular phenotype. Identifiers: MedGen CN230736.
Long QT syndrome (LQTS). Identifiers: MedGen C0023976, MeSH D008133, MONDO:0002442. Disease mechanism: loss of function. Inheritance: Various modes of inheritance.
Long QT syndrome 11 (LQT11). Identifiers: Orphanet 101016, Orphanet 768, MedGen C2678483, MONDO:0012738, OMIM 611820.

Allele frequency attached by ClinVar (database versions not stated): gnomAD exomes 0.00028 and 0.00074; ExAC 0.00093; gnomAD 0.00279 and 0.00296; TOPMed 0.00294; ESP Exome Variant Server 0.00384; 1000 Genomes Project 0.00419; 1000 Genomes Project 30x 0.00500.
gnomAD v4.1: 852 of 1,614,052 alleles (0.053%); highest among the groups gnomAD compares: African/African-American, 1%; 2 homozygotes.

Submissions (13):

Labcorp Genetics (formerly Invitae), Labcorp
Classification: Benign for Long QT syndrome. Last evaluated: 2026-02-02. Review status: criteria provided, single submitter. Criteria: Invitae Variant Classification Sherloc (09022015). Collection method: clinical testing. Allele origin: germline.

Women's Health and Genetics/Laboratory Corporation of America, LabCorp
Classification: Likely benign. Last evaluated: 2025-12-12. Review status: criteria provided, single submitter. Criteria: LabCorp Variant Classification Summary - May 2015. Collection method: clinical testing. Allele origin: germline.
Comment: Variant summary: AKAP9 c.10858A>G (p.Ile3620Val) results in a conservative amino acid change in the encoded protein sequence. Algorithms developed to predict the effect of missense changes on protein structure and function all suggest that this variant is likely to be tolerated. The variant allele was found at a frequency of 0.00074 in 251354 control chromosomes. The observed variant frequency exceeds the estimated maximal expected allele frequency for disease-causing variants in AKAP9. To our knowledge, no occurrence of c.10858A>G in individuals affected with AKAP9-related conditions and no experimental evidence demonstrating its impact on protein function have been reported. ClinVar contains an entry for this variant (Variation ID: 191557). Based on the evidence outlined above, the variant was classified as likely benign.

Blueprint Genetics
Classification: Likely benign. Last evaluated: 2024-11-06. Review status: criteria provided, single submitter. Criteria: ACMG Guidelines, 2015. Collection method: clinical testing. Allele origin: germline.

Genome-Nilou Lab
Classification: Benign for Long QT syndrome 11. Last evaluated: 2021-12-05. Review status: criteria provided, single submitter. Criteria: ACMG Guidelines, 2015. Collection method: clinical testing. Allele origin: germline. Affected: no.

Fulgent Genetics
Classification: Likely benign for Long QT syndrome 11. Last evaluated: 2021-09-17. Review status: criteria provided, single submitter. Criteria: ACMG Guidelines, 2015. Collection method: clinical testing. Allele origin: unknown.

Ambry Genetics
Classification: Benign for Cardiovascular phenotype. Last evaluated: 2018-11-07. Review status: criteria provided, single submitter. Criteria: Ambry Variant Classification Scheme 2023. Collection method: clinical testing. Allele origin: germline.

GeneDx
Classification: Benign. Last evaluated: 2015-03-03. Review status: criteria provided, single submitter. Criteria: GeneDx Variant Classification Process June 2021. Collection method: clinical testing. Allele origin: germline. Affected: yes.

Biesecker Lab/Clinical Genomics Section, National Institutes of Health
Classification: Benign. Last evaluated: 2013-06-24. Review status: criteria provided, single submitter. Criteria: Ng et al. (Circ Cardiovasc Genet. 2013). Collection method: research. Allele origin: unknown. Observed: 1 variant allele. Study: ClinSeq.
Comment: The study set was not selected for affection status in relation to any cancer. Pathogenicity categories were based on literature curation. See Pubmed ID:23861362 for details.

Medical sequencing

Dr. Peter K. Rogan Lab, Western University
No classification provided (evidence only). Condition: Familial cancer of breast. Review status: no classification provided. Collection method: in vitro. Allele origin: not applicable. Functional consequence: retained intron. Not counted in ClinVar's aggregate classification.

Dr. Peter K. Rogan Lab, Western University
No classification provided (evidence only). Condition: Thyroid cancer, nonmedullary, 1. Review status: no classification provided. Collection method: in vitro. Allele origin: not applicable. Functional consequence: retained intron. Not counted in ClinVar's aggregate classification.

Dr. Peter K. Rogan Lab, Western University
No classification provided (evidence only). Condition: Uterine corpus endometrial carcinoma. Review status: no classification provided. Collection method: in vitro. Allele origin: not applicable. Functional consequence: retained intron. Not counted in ClinVar's aggregate classification.

Dr. Peter K. Rogan Lab, Western University
No classification provided (evidence only). Condition: Ovarian serous cystadenocarcinoma. Review status: no classification provided. Collection method: in vitro. Allele origin: not applicable. Functional consequence: retained intron. Not counted in ClinVar's aggregate classification.

Dr. Peter K. Rogan Lab, Western University
No classification provided (evidence only). Condition: Malignant tumor of esophagus. Review status: no classification provided. Collection method: in vitro. Allele origin: not applicable. Functional consequence: retained intron. Not counted in ClinVar's aggregate classification.